The following is an entry in ClinVar:

ClinVar aggregate classification (germline): Uncertain significance (1 of 4 stars; one submission).

Conditions:
ZNF469-related disorder. Also called: ZNF469-related condition.

gnomAD v4.1: 2 of 1,549,380 alleles (0.00013%); highest among the groups gnomAD compares: Non-Finnish European, 0.00017%; no homozygotes.

Submission:

PreventionGenetics, part of Exact Sciences
Classification: Uncertain significance for ZNF469-related condition. Last evaluated: 2026-04-28. Review status: criteria provided, single submitter. Criteria: ACMG Guidelines, 2015. Collection method: clinical testing. Allele origin: germline.
Comment: The ZNF469 c.10228A>T variant is predicted to result in the amino acid substitution p.Asn3410Tyr. To our knowledge, this variant has not been reported in the literature or in a large population database (gnomAD), indicating this variant is rare. At this time, the clinical significance of this variant is uncertain due to the absence of conclusive functional and genetic evidence.

NM_001367624.2(ZNF469):c.10312A>T (p.Asn3438Tyr)

Gene: ZNF469 (zinc finger protein 469; plus strand). Cytogenetic location: 16q24.2.
Variant type: single nucleotide variant.
Coding change: c.10312A>T on transcript NM_001367624.2 (MANE Select); coding-DNA position 10312, A replaced by T.
Protein change: p.Asn3438Tyr; replaces asparagine 3438 with tyrosine.
Molecular consequence: missense variant.
Genome position (GRCh38, 1-based): chr16:88,437,782, A>T. VCF-style: chr16-88437782-A-T. GRCh37 (hg19) VCF-style: chr16-88504190-A-T.
Other names: NM_001127464.2:c.10228A>T; short protein forms N3438Y.
Identifiers: ClinVar variation 4994463 (VCV004994463.1).
Genomic context (GRCh38, chr16:88,437,782, plus strand): 5'-TTCGCCTGCAGCTCCTGCAACTACACCTTCGCCAAGAAGGAGCAGTTCGACCGCCACATG[A>T]ACAAGCACCTCAGGGGGGGGCGGCAGCCCTTCGCGTTCCGCGGCGTGCGGAGGCCGGGAG-3'
Protein context (NP_001354553.1, residues 3428-3448): AKKEQFDRHM[Asn3438Tyr]KHLRGGRQPF